The following is an entry in ClinVar:

ClinVar aggregate classification (germline): Conflicting classifications of pathogenicity. Review status: criteria provided, conflicting classifications (1 of 4 stars). 2 submissions from 2 submitters: Uncertain significance (1); Likely benign (1). Last evaluated 2025-04-06.

Allele frequency attached by ClinVar (database versions not stated): gnomAD exomes 0.00002; TOPMed 0.00002; 1000 Genomes Project 30x 0.00031.
gnomAD v4.1: 37 of 1,535,950 alleles (0.0024%); highest among the groups gnomAD compares: East Asian, 0.0049%; no homozygotes.

Submissions (2):

Ambry Genetics
Classification: Uncertain significance. Last evaluated: 2025-04-06. Review status: criteria provided, single submitter. Criteria: Ambry Variant Classification Scheme 2023. Collection method: clinical testing. Allele origin: germline.

CeGaT Center for Human Genetics Tuebingen
Classification: Likely benign. Last evaluated: 2022-08-01. Review status: criteria provided, single submitter. Criteria: CeGaT Center For Human Genetics Tuebingen Variant Classification Criteria Version 2. Collection method: clinical testing. Allele origin: germline. Affected: yes. Observed: 1 variant allele.
Comment: BEAN1: BP4

NM_001178020.3(BEAN1):c.197G>A (p.Arg66Gln)

Gene: BEAN1 (brain expressed associated with NEDD4 1; plus strand). Cytogenetic location: 16q21.
Variant type: single nucleotide variant.
Coding change: c.197G>A on transcript NM_001178020.3 (MANE Select); coding-DNA position 197, G replaced by A.
Protein change: p.Arg66Gln; replaces arginine 66 with glutamine.
Molecular consequence: missense variant. On other transcripts: 5 prime UTR variant (2).
Genome position (GRCh38, 1-based): chr16:66,469,773, G>A. VCF-style: chr16-66469773-G-A. GRCh37 (hg19) VCF-style: chr16-66503676-G-A.
Other names: c.-131G>A (NM_001136106.5, NM_001197224.4); c.197G>A (NM_001178020.1); short protein forms R66Q.
Identifiers: ClinVar variation 2646596 (VCV002646596.24), dbSNP rs775454473, ClinGen allele CA282176106.